The following is an entry in ClinVar:

ClinVar aggregate classification (germline): Uncertain significance (1 of 4 stars; one submission).

Allele frequency attached by ClinVar (database versions not stated): gnomAD exomes below 0.00001.
gnomAD v4.1: 6 of 1,613,398 alleles (0.00037%); highest among the groups gnomAD compares: African/African-American, 0.0053%; no homozygotes.

Submission:

Labcorp Genetics (formerly Invitae), Labcorp
Classification: Uncertain significance. Last evaluated: 2022-10-07. Review status: criteria provided, single submitter. Criteria: Invitae Variant Classification Sherloc (09022015). Collection method: clinical testing. Allele origin: germline.
Comment: In summary, the available evidence is currently insufficient to determine the role of this variant in disease. Therefore, it has been classified as a Variant of Uncertain Significance. Algorithms developed to predict the effect of missense changes on protein structure and function (SIFT, PolyPhen-2, Align-GVGD) all suggest that this variant is likely to be disruptive. This variant has not been reported in the literature in individuals affected with IMPG1-related conditions. This variant is not present in population databases (gnomAD no frequency). This sequence change replaces serine, which is neutral and polar, with phenylalanine, which is neutral and non-polar, at codon 676 of the IMPG1 protein (p.Ser676Phe).

NM_001563.4(IMPG1):c.2027C>T (p.Ser676Phe)

Gene: IMPG1 (interphotoreceptor matrix proteoglycan 1; minus strand). Cytogenetic location: 6q14.1.
Variant type: single nucleotide variant.
Coding change: c.2027C>T on transcript NM_001563.4 (MANE Select); coding-DNA position 2027, C replaced by T.
Protein change: p.Ser676Phe; replaces serine 676 with phenylalanine.
Molecular consequence: missense variant.
Genome position (GRCh38, 1-based): chr6:75,947,331, G>A on the plus strand (C>T on the coding strand, the complement: IMPG1 is on the minus strand). VCF-style: chr6-75947331-G-A. GRCh37 (hg19) VCF-style: chr6-76657048-G-A.
Other names: c.1793C>T, p.Ser598Phe (NM_001282368.2); short protein forms S676F, S598F.
Identifiers: ClinVar variation 1908565 (VCV001908565.5), dbSNP rs2149456075, ClinGen allele CA364774937.
Genomic context (GRCh38, chr6:75,947,331, plus strand): 5'-TGAACAAAACATCTCTACCACTTTCTGGGTTGGATTCTTTTACCTGGTTCAATGTTGAGA[G>A]AGTAGCTGTCTATTTCCAGATGGAGTTGTTGGGCTGCAGCAGAACGAAAATCCTCCAAGA-3'
Protein context (NP_001554.2, residues 666-686): QQLHLEIDSY[Ser676Phe]LNIEPADQAD